The following is an entry in ClinVar:

ClinVar aggregate classification (germline): Uncertain significance (1 of 4 stars; one submission).

Allele frequency attached by ClinVar (database versions not stated): gnomAD exomes below 0.00001; ExAC 0.00002; TOPMed 0.00007; gnomAD 0.00009.
gnomAD v4.1: 17 of 1,613,746 alleles (0.0011%); highest among the groups gnomAD compares: African/African-American, 0.023%; no homozygotes.

Submission:

Labcorp Genetics (formerly Invitae), Labcorp
Classification: Uncertain significance. Last evaluated: 2025-10-01. Review status: criteria provided, single submitter. Criteria: Invitae Variant Classification Sherloc (09022015). Collection method: clinical testing. Allele origin: germline.
Comment: This sequence change replaces serine, which is neutral and polar, with arginine, which is basic and polar, at codon 647 of the ZHX3 protein (p.Ser647Arg). This variant is present in population databases (rs764067657, gnomAD 0.02%). This variant has not been reported in the literature in individuals affected with ZHX3-related conditions. ClinVar contains an entry for this variant (Variation ID: 2189472). An algorithm developed to predict the effect of missense changes on protein structure and function (PolyPhen-2) suggests that this variant is likely to be tolerated. In summary, the available evidence is currently insufficient to determine the role of this variant in disease. Therefore, it has been classified as a Variant of Uncertain Significance.

NM_001384317.1(ZHX3):c.1941T>A (p.Ser647Arg)

Gene: ZHX3 (zinc fingers and homeoboxes 3; minus strand). Cytogenetic location: 20q12.
Variant type: single nucleotide variant.
Coding change: c.1941T>A on transcript NM_001384317.1 (MANE Select); coding-DNA position 1941, T replaced by A.
Protein change: p.Ser647Arg; replaces serine 647 with arginine.
Molecular consequence: missense variant.
Genome position (GRCh38, 1-based): chr20:41,202,976, A>T on the plus strand (T>A on the coding strand, the complement: ZHX3 is on the minus strand). VCF-style: chr20-41202976-A-T. GRCh37 (hg19) VCF-style: chr20-39831616-A-T.
Other names: c.1941T>A, p.Ser647Arg (NM_001384315.1, NM_001384316.1, NM_001384318.1 and 8 more transcripts); short protein forms S647R.
Identifiers: ClinVar variation 2189472 (VCV002189472.4), dbSNP rs764067657, ClinGen allele CA9859863.